The following is an entry in ClinVar:

ClinVar aggregate classification (germline): Uncertain significance (1 of 4 stars; one submission).

Submission:

Labcorp Genetics (formerly Invitae), Labcorp
Classification: Uncertain significance. Last evaluated: 2022-10-14. Review status: criteria provided, single submitter. Criteria: Invitae Variant Classification Sherloc (09022015). Collection method: clinical testing. Allele origin: germline.
Comment: In summary, the available evidence is currently insufficient to determine the role of this variant in disease. Therefore, it has been classified as a Variant of Uncertain Significance. This sequence change replaces aspartic acid, which is acidic and polar, with asparagine, which is neutral and polar, at codon 27 of the KCNH1 protein (p.Asp27Asn). This variant also falls at the last nucleotide of exon 1, which is part of the consensus splice site for this exon. This variant is not present in population databases (gnomAD no frequency). This variant has not been reported in the literature in individuals affected with KCNH1-related conditions. ClinVar contains an entry for this variant (Variation ID: 1506215). Algorithms developed to predict the effect of missense changes on protein structure and function are either unavailable or do not agree on the potential impact of this missense change (SIFT: "Deleterious"; PolyPhen-2: "Benign"; Align-GVGD: "Class C0"). Variants that disrupt the consensus splice site are a relatively common cause of aberrant splicing (PMID: 17576681, 9536098). Algorithms developed to predict the effect of sequence changes on RNA splicing suggest that this variant may disrupt the consensus splice site.

Literature cited by the submitters: PubMed 17576681; PubMed 9536098.

NM_172362.3(KCNH1):c.79G>A (p.Asp27Asn)

Gene: KCNH1 (potassium voltage-gated channel subfamily H member 1; minus strand). Cytogenetic location: 1q32.2.
Variant type: single nucleotide variant.
Coding change: c.79G>A on transcript NM_172362.3 (MANE Select); coding-DNA position 79, G replaced by A.
Protein change: p.Asp27Asn; replaces aspartic acid 27 with asparagine.
Molecular consequence: missense variant.
Genome position (GRCh38, 1-based): chr1:211,133,867, C>T on the plus strand (G>A on the coding strand, the complement: KCNH1 is on the minus strand). VCF-style: chr1-211133867-C-T. GRCh37 (hg19) VCF-style: chr1-211307209-C-T.
Other names: c.79G>A, p.Asp27Asn (NM_002238.4); short protein forms D27N.
Identifiers: ClinVar variation 1506215 (VCV001506215.6), dbSNP rs2102508630, ClinGen allele CA344876593.